The following is an entry in ClinVar:

ClinVar aggregate classification (germline): Uncertain significance. Review status: criteria provided, multiple submitters, no conflicts (2 of 4 stars). 2 submissions from 2 submitters: Uncertain significance (2). Last evaluated 2024-10-27.

Allele frequency attached by ClinVar (database versions not stated): gnomAD exomes 0.00001; ExAC 0.00002; TOPMed 0.00002.
gnomAD v4.1: 8 of 1,611,920 alleles (0.0005%); highest among the groups gnomAD compares: East Asian, 0.016%; no homozygotes.

Submissions (2):

Labcorp Genetics (formerly Invitae), Labcorp
Classification: Uncertain significance. Last evaluated: 2024-10-27. Review status: criteria provided, single submitter. Criteria: Invitae Variant Classification Sherloc (09022015). Collection method: clinical testing. Allele origin: germline.
Comment: This sequence change replaces alanine, which is neutral and non-polar, with valine, which is neutral and non-polar, at codon 387 of the TERF2IP protein (p.Ala387Val). This variant is present in population databases (rs775948883, gnomAD 0.02%). This variant has not been reported in the literature in individuals affected with TERF2IP-related conditions. ClinVar contains an entry for this variant (Variation ID: 1736600). An algorithm developed to predict the effect of missense changes on protein structure and function (PolyPhen-2) suggests that this variant is likely to be disruptive. In summary, the available evidence is currently insufficient to determine the role of this variant in disease. Therefore, it has been classified as a Variant of Uncertain Significance.

Ambry Genetics
Classification: Uncertain significance. Last evaluated: 2023-08-11. Review status: criteria provided, single submitter. Criteria: Ambry Variant Classification Scheme 2023. Collection method: clinical testing. Allele origin: germline.
Comment: The p.A387V variant (also known as c.1160C>T), located in coding exon 3 of the TERF2IP gene, results from a C to T substitution at nucleotide position 1160. The alanine at codon 387 is replaced by valine, an amino acid with similar properties. This amino acid position is conserved. In addition, this alteration is predicted to be tolerated by in silico analysis. Since supporting evidence is limited at this time, the clinical significance of this alteration remains unclear.

NM_018975.4(TERF2IP):c.1160C>T (p.Ala387Val)

Gene: TERF2IP (TERF2 interacting protein; plus strand). Cytogenetic location: 16q23.1.
Variant type: single nucleotide variant.
Coding change: c.1160C>T on transcript NM_018975.4 (MANE Select); coding-DNA position 1160, C replaced by T.
Protein change: p.Ala387Val; replaces alanine 387 with valine.
Molecular consequence: missense variant. On other transcripts: non-coding transcript variant (1).
Genome position (GRCh38, 1-based): chr16:75,656,571, C>T. VCF-style: chr16-75656571-C-T. GRCh37 (hg19) VCF-style: chr16-75690469-C-T.
Other names: short protein forms A387V.
Identifiers: ClinVar variation 1736600 (VCV001736600.6), dbSNP rs775948883, ClinGen allele CA8178177.
Genomic context (GRCh38, chr16:75,656,571, plus strand): 5'-ACATAGATTTGCAAAAAGATGATGAGGATACCAGAGAGGCATTGGTCAAAAAATTTGGTG[C>T]TCAGAATGTAGCTCGGAGGATTGAATTTCGAAAGAAATAATTGGCAAGATAATGAGAAAA-3'
Protein context (NP_061848.2, residues 377-397): TREALVKKFG[Ala387Val]QNVARRIEFR